The following is an entry in ClinVar:

ClinVar aggregate classification (germline): Benign/Likely benign. Review status: criteria provided, multiple submitters, no conflicts (2 of 4 stars). 2 submissions from 2 submitters: Benign (1); Likely benign (1). Last evaluated 2026-04-29.

Allele frequency attached by ClinVar (database versions not stated): TOPMed 0.00021; gnomAD exomes 0.00024; ExAC 0.00040; 1000 Genomes Project 30x 0.00094; 1000 Genomes Project 0.00100.
gnomAD v4.1: 372 of 1,537,286 alleles (0.024%); highest among the groups gnomAD compares: East Asian, 0.34%; 1 homozygote.

Submissions (2):

Women's Health and Genetics/Laboratory Corporation of America, LabCorp
Classification: Benign. Last evaluated: 2026-04-29. Review status: criteria provided, single submitter. Criteria: LabCorp Variant Classification Summary - May 2015. Collection method: clinical testing. Allele origin: germline.
Comment: Variant summary: RNF213 c.4668+6C>T alters a nucleotide located close to a canonical splice site and therefore could affect mRNA splicing, leading to a significantly altered protein sequence. Consensus agreement among computation tools predict no significant impact on normal splicing. However, these predictions have yet to be confirmed by functional studies. The variant allele was found at a frequency of 0.00041 in 141832 control chromosomes, predominantly at a frequency of 0.0033 within the East Asian subpopulation in the gnomAD database. The observed variant frequency within East Asian control individuals in the gnomAD database exceeds the estimated maximal expected allele frequency for disease-causing variants in RNF213. To our knowledge, no occurrence of c.4668+6C>T in individuals affected with RNF213-related conditions and no experimental evidence demonstrating its impact on protein function have been reported. ClinVar contains an entry for this variant (Variation ID: 2718009). Based on the evidence outlined above, the variant was classified as benign.

Labcorp Genetics (formerly Invitae), Labcorp
Classification: Likely benign. Last evaluated: 2025-08-09. Review status: criteria provided, single submitter. Criteria: Invitae Variant Classification Sherloc (09022015). Collection method: clinical testing. Allele origin: germline.

NM_001256071.3(RNF213):c.4668+6C>T

Gene: RNF213 (ring finger protein 213; plus strand). Cytogenetic location: 17q25.3.
Variant type: single nucleotide variant.
Coding change: c.4668+6C>T on transcript NM_001256071.3 (MANE Select); 6 bases into the intron after coding-DNA position 4668, C replaced by T.
Molecular consequence: intron variant.
Genome position (GRCh38, 1-based): chr17:80,337,732, C>T. VCF-style: chr17-80337732-C-T. GRCh37 (hg19) VCF-style: chr17-78311532-C-T.
Other names: c.4815+6C>T (NM_020914.5, NM_001410195.1).
Identifiers: ClinVar variation 2718009 (VCV002718009.4), dbSNP rs78795452, ClinGen allele CA8820280.
Genomic context (GRCh38, chr17:80,337,732, plus strand): 5'-GGCCATCAACCAAAGAGGCATCTATGTGATCCAGGCGCCCAAAGGTGGCCAAAAGGTGAG[C>T]GGTCCCCAGCCCTCGGCGCAGCTGCGGCCCTTCTGCAGGCTGCTGCCAGTCCAGGTCTTC-3'